The following is an entry in ClinVar:

ClinVar aggregate classification (germline): Uncertain significance. Review status: criteria provided, multiple submitters, no conflicts (2 of 4 stars). 3 submissions from 3 submitters: Uncertain significance (3). Last evaluated 2024-04-12.

Conditions:
Inborn genetic diseases. Identifiers: MedGen C0950123, MeSH D030342.
Charcot-Marie-Tooth disease axonal type 2L. Also called: CHARCOT-MARIE-TOOTH DISEASE, AXONAL, AUTOSOMAL DOMINANT, TYPE 2L; CHARCOT-MARIE-TOOTH NEUROPATHY, AXONAL, TYPE 2L; Charcot-Marie-Tooth Neuropathy Type 2L. Identifiers: Orphanet 99945, MedGen C1837552, MONDO:0012096, OMIM 608673.

Allele frequency attached by ClinVar (database versions not stated): gnomAD exomes below 0.00001 and 0.00003; TOPMed below 0.00001; ExAC 0.00001; ESP Exome Variant Server 0.00008.
gnomAD v4.1: 40 of 1,613,806 alleles (0.0025%); highest among the groups gnomAD compares: Non-Finnish European, 0.0032%; no homozygotes.

Submissions (3):

Labcorp Genetics (formerly Invitae), Labcorp
Classification: Uncertain significance for Charcot-Marie-Tooth disease axonal type 2L. Last evaluated: 2024-04-12. Review status: criteria provided, single submitter. Criteria: Invitae Variant Classification Sherloc (09022015). Collection method: clinical testing. Allele origin: germline.
Comment: This sequence change replaces aspartic acid, which is acidic and polar, with valine, which is neutral and non-polar, at codon 50 of the HSPB8 protein (p.Asp50Val). This variant is present in population databases (rs374254847, gnomAD 0.0009%). This variant has not been reported in the literature in individuals affected with HSPB8-related conditions. ClinVar contains an entry for this variant (Variation ID: 1020904). An algorithm developed to predict the effect of missense changes on protein structure and function (PolyPhen-2) suggests that this variant is likely to be tolerated. In summary, the available evidence is currently insufficient to determine the role of this variant in disease. Therefore, it has been classified as a Variant of Uncertain Significance.

Blueprint Genetics
Classification: Uncertain significance. Last evaluated: 2023-09-05. Review status: criteria provided, single submitter. Criteria: ACMG Guidelines, 2015. Collection method: clinical testing. Allele origin: germline.

Ambry Genetics
Classification: Uncertain significance for Inborn genetic diseases. Last evaluated: 2020-11-20. Review status: criteria provided, single submitter. Criteria: Ambry Variant Classification Scheme 2023. Collection method: clinical testing. Allele origin: germline.
Comment: The p.D50V variant (also known as c.149A>T), located in coding exon 1 of the HSPB8 gene, results from an A to T substitution at nucleotide position 149. The aspartic acid at codon 50 is replaced by valine, an amino acid with highly dissimilar properties. This amino acid position is not well conserved in available vertebrate species. In addition, the in silico prediction for this alteration is inconclusive. Since supporting evidence is limited at this time, the clinical significance of this alteration remains unclear.

NM_014365.3(HSPB8):c.149A>T (p.Asp50Val)

Gene: HSPB8 (heat shock protein family B (small) member 8; plus strand). Cytogenetic location: 12q24.23.
Variant type: single nucleotide variant.
Coding change: c.149A>T on transcript NM_014365.3 (MANE Select); coding-DNA position 149, A replaced by T.
Protein change: p.Asp50Val; replaces aspartic acid 50 with valine.
Molecular consequence: missense variant.
Genome position (GRCh38, 1-based): chr12:119,179,461, A>T. VCF-style: chr12-119179461-A-T. GRCh37 (hg19) VCF-style: chr12-119617266-A-T.
Other names: short protein forms D50V.
Identifiers: ClinVar variation 1020904 (VCV001020904.11), dbSNP rs374254847, ClinGen allele CA6819508.